The following is an entry in ClinVar:

ClinVar aggregate classification (germline): Uncertain significance (1 of 4 stars; one submission).

gnomAD v4.1: 6 of 1,612,088 alleles (0.00037%); highest among the groups gnomAD compares: Non-Finnish European, 0.00034%; no homozygotes.

Submission:

Labcorp Genetics (formerly Invitae), Labcorp
Classification: Uncertain significance. Last evaluated: 2025-10-02. Review status: criteria provided, single submitter. Criteria: Invitae Variant Classification Sherloc (09022015). Collection method: clinical testing. Allele origin: germline.
Comment: This sequence change replaces threonine, which is neutral and polar, with alanine, which is neutral and non-polar, at codon 235 of the NUP62 protein (p.Thr235Ala). This variant is present in population databases (rs771987135, gnomAD 0.002%). This variant has not been reported in the literature in individuals affected with NUP62-related conditions. ClinVar contains an entry for this variant (Variation ID: 3607549). An algorithm developed to predict the effect of missense changes on protein structure and function outputs the following: PolyPhen-2: "Benign". The alanine amino acid residue is found in multiple mammalian species, which suggests that this missense change does not adversely affect protein function. In summary, the available evidence is currently insufficient to determine the role of this variant in disease. Therefore, it has been classified as a Variant of Uncertain Significance.

NM_016553.5(NUP62):c.703A>G (p.Thr235Ala)

Genes: IL4I1 (interleukin 4 induced 1; minus strand), NUP62 (nucleoporin 62; minus strand). Cytogenetic location: 19q13.33.
Variant type: single nucleotide variant.
Coding change: c.703A>G on transcript NM_016553.5 (MANE Select); coding-DNA position 703, A replaced by G.
Protein change: p.Thr235Ala; replaces threonine 235 with alanine.
Molecular consequence: missense variant. On other transcripts: intron variant (3).
Genome position (GRCh38, 1-based): chr19:49,909,105, T>C on the plus strand (A>G on the coding strand, the complement: NUP62 is on the minus strand). VCF-style: chr19-49909105-T-C. GRCh37 (hg19) VCF-style: chr19-50412362-T-C.
Other names: c.-227-4784A>G (NM_172374.3, NM_001258017.2); c.-285-4784A>G (NM_001258018.2); c.703A>G, p.Thr235Ala (NM_001193357.2, NM_012346.5, NM_153718.4 and 1 more transcripts); short protein forms T235A.
Identifiers: ClinVar variation 3607549 (VCV003607549.2).
Genomic context (GRCh38, chr19:49,909,105, plus strand): 5'-CCTGTGTCCCAGCAGTGGGGGCGCCCGCTGTGGTCACAGGGGTACAGAGGGAGAGTCCAG[T>C]GGTGGCAGATGAGGTTGGAGCAGTTGCTATTGACGCAAAGAGGCTGGGCCCAGTGCTGGT-3'
Protein context (NP_057637.2, residues 225-245): IATAPTSSAT[Thr235Ala]GLSLCTPVTT